The following is an entry in ClinVar:

NM_001297595.2(SIN3B):c.3125A>G (p.Tyr1042Cys)

Gene: SIN3B (SIN3 transcription regulator family member B; plus strand). Cytogenetic location: 19p13.11.
Variant type: single nucleotide variant.
Coding change: c.3125A>G on transcript NM_001297595.2 (MANE Select); coding-DNA position 3125, A replaced by G.
Protein change: p.Tyr1042Cys; replaces tyrosine 1042 with cysteine.
Molecular consequence: missense variant.
Genome position (GRCh38, 1-based): chr19:16,878,353, A>G. VCF-style: chr19-16878353-A-G. GRCh37 (hg19) VCF-style: chr19-16989164-A-G.
Other names: c.1895A>G, p.Tyr632Cys (NM_001297597.2); c.3221A>G, p.Tyr1074Cys (NM_015260.4); short protein forms Y1042C, Y1074C, Y632C.
Identifiers: ClinVar variation 3777605 (VCV003777605.1).

ClinVar aggregate classification (germline): Uncertain significance (1 of 4 stars; one submission).

Submission:

GeneDx
Classification: Uncertain significance. Last evaluated: 2024-10-10. Review status: criteria provided, single submitter. Criteria: GeneDx Variant Classification Process June 2021. Collection method: clinical testing. Allele origin: germline. Affected: yes.
Comment: Not observed at significant frequency in large population cohorts (gnomAD); In silico analysis supports that this missense variant has a deleterious effect on protein structure/function; Has not been previously published as pathogenic or benign to our knowledge